The following is an entry in ClinVar:

ClinVar aggregate classification (germline): Likely pathogenic (1 of 4 stars; one submission).

Conditions:
Leber congenital amaurosis 13 (LCA13). Identifiers: MedGen C2675186, MONDO:0012990, OMIM 612712.

Submission:

Labcorp Genetics (formerly Invitae), Labcorp
Classification: Likely pathogenic for Leber congenital amaurosis 13. Last evaluated: 2022-08-21. Review status: criteria provided, single submitter. Criteria: Invitae Variant Classification Sherloc (09022015). Collection method: clinical testing. Allele origin: germline.
Comment: This variant is not present in population databases (gnomAD no frequency). This sequence change affects an acceptor splice site in intron 7 of the RDH12 gene. It is expected to disrupt RNA splicing. Variants that disrupt the donor or acceptor splice site typically lead to a loss of protein function (PMID: 16199547), and loss-of-function variants in RDH12 are known to be pathogenic (PMID: 17964524, 22065924, 32014858, 34001834). This variant has not been reported in the literature in individuals affected with RDH12-related conditions. Algorithms developed to predict the effect of sequence changes on RNA splicing suggest that this variant may disrupt the consensus splice site. In summary, the currently available evidence indicates that the variant is pathogenic, but additional data are needed to prove that conclusively. Therefore, this variant has been classified as Likely Pathogenic.

Literature cited by the submitters: PubMed 16199547; PubMed 17964524; PubMed 22065924; PubMed 32014858; PubMed 34001834.

NM_152443.3(RDH12):c.659-1G>A

Genes: GPHN (gephyrin; plus strand), RDH12 (retinol dehydrogenase 12; plus strand), ZFYVE26 (zinc finger FYVE-type containing 26; minus strand). Cytogenetic location: 14q24.1.
Variant type: single nucleotide variant.
Coding change: c.659-1G>A on transcript NM_152443.3 (MANE Select); the canonical splice acceptor site of the intron before coding-DNA position 659, G replaced by A.
Molecular consequence: splice acceptor variant.
Genome position (GRCh38, 1-based): chr14:67,729,190, G>A. VCF-style: chr14-67729190-G-A. GRCh37 (hg19) VCF-style: chr14-68195907-G-A.
Identifiers: ClinVar variation 2025716 (VCV002025716.4), dbSNP rs2503831353, ClinGen allele CA390152854.